The following is an entry in ClinVar:

ClinVar aggregate classification (germline): Uncertain significance. Review status: criteria provided, single submitter (1 of 4 stars). 2 submissions from 2 submitters: Uncertain significance (1). 1 of the submissions does not count toward it. Last evaluated 2023-05-30.

Conditions:
Inborn genetic diseases. Identifiers: MedGen C0950123, MeSH D030342.
NDUFB11-related disorders. Also called: NDUFB11-related condition; NDUFB11-related disorder. Identifiers: MedGen CN378754, MONDO:1040023.

Allele frequency attached by ClinVar (database versions not stated): TOPMed 0.00001; gnomAD 0.00002; gnomAD exomes 0.00004; ExAC 0.00008.
gnomAD v4.1: 53 of 1,169,300 alleles (0.0045%); highest among the groups gnomAD compares: Non-Finnish European, 0.0053%; no homozygotes.

Submissions (2):

Ambry Genetics
Classification: Uncertain significance for Inborn genetic diseases. Last evaluated: 2023-05-30. Review status: criteria provided, single submitter. Criteria: Ambry Variant Classification Scheme 2023. Collection method: clinical testing. Allele origin: germline.

PreventionGenetics, part of Exact Sciences
Classification: Uncertain significance for NDUFB11-related condition. Last evaluated: 2024-08-26. Review status: no assertion criteria provided. Collection method: clinical testing. Allele origin: germline. Not counted in ClinVar's aggregate classification.
Comment: The NDUFB11 c.25A>G variant is predicted to result in the amino acid substitution p.Ser9Gly. To our knowledge, this variant has not been reported in the literature. This variant is reported in 0.0045% of alleles in individuals of European (Non-Finnish) descent in gnomAD. At this time, the clinical significance of this variant is uncertain due to the absence of conclusive functional and genetic evidence.

NM_001135998.3(NDUFB11):c.25A>G (p.Ser9Gly)

Gene: NDUFB11 (NADH:ubiquinone oxidoreductase subunit B11; minus strand). Cytogenetic location: Xp11.3.
Variant type: single nucleotide variant.
Coding change: c.25A>G on transcript NM_001135998.3 (MANE Select); coding-DNA position 25, A replaced by G.
Protein change: p.Ser9Gly; replaces serine 9 with glycine.
Molecular consequence: missense variant.
Genome position (GRCh38, 1-based): chrX:47,144,655, T>C on the plus strand (A>G on the coding strand, the complement: NDUFB11 is on the minus strand). VCF-style: chrX-47144655-T-C. GRCh37 (hg19) VCF-style: chrX-47004054-T-C.
Other names: c.25A>G, p.Ser9Gly (NM_019056.7); c.25A>G (NM_019056.6); short protein forms S9G.
Identifiers: ClinVar variation 2511600 (VCV002511600.3), dbSNP rs782338530, ClinGen allele CA10394998.